The following is an entry in ClinVar:

NM_001165963.4(SCN1A):c.5988A>C (p.Lys1996Asn)

Genes: SCN1A (sodium voltage-gated channel alpha subunit 1; minus strand), LOC102724058 (uncharacterized LOC102724058; plus strand). Cytogenetic location: 2q24.3.
Variant type: single nucleotide variant.
Coding change: c.5988A>C on transcript NM_001165963.4 (MANE Select); coding-DNA position 5988, A replaced by C.
Protein change: p.Lys1996Asn; replaces lysine 1996 with asparagine.
Molecular consequence: missense variant. On other transcripts: non-coding transcript variant (1).
Genome position (GRCh38, 1-based): chr2:165,991,287, T>G on the plus strand (A>C on the coding strand, the complement: SCN1A is on the minus strand). VCF-style: chr2-165991287-T-G. GRCh37 (hg19) VCF-style: chr2-166847797-T-G.
Other names: c.5904A>C, p.Lys1968Asn (NM_001165964.3, NM_001353957.2, NM_001353958.2); c.5988A>C, p.Lys1996Asn (NM_001202435.3, NM_001353948.2); c.5955A>C, p.Lys1985Asn (NM_001353949.2, NM_001353950.2, NM_001353951.2 and 2 more transcripts); c.5952A>C, p.Lys1984Asn (NM_001353954.2, NM_001353955.2); c.5901A>C, p.Lys1967Asn (NM_001353960.2); c.3546A>C, p.Lys1182Asn (NM_001353961.2); short protein forms K1985N, K1996N, K1968N, K1984N, K1182N, K1967N.
Identifiers: ClinVar variation 498246 (VCV000498246.17), dbSNP rs371243629, ClinGen allele CA59797683.

ClinVar aggregate classification (germline): Conflicting classifications of pathogenicity. Review status: criteria provided, conflicting classifications (1 of 4 stars). 5 submissions from 5 submitters: Uncertain significance (4); Likely benign (1). Last evaluated 2024-11-21.

Conditions:
Early-infantile DEE. Also called: Ohtahara syndrome; Early infantile epileptic encephalopathy; Early infantile epileptic encephalopathy with suppression bursts. Identifiers: Orphanet 1934, MedGen C0393706, MONDO:0800491.
Severe myoclonic epilepsy in infancy (DRVT). Also called: Epileptic encephalopathy, early infantile, 6 (Dravet syndrome); DEVELOPMENTAL AND EPILEPTIC ENCEPHALOPATHY 6A; Severe Myoclonic Epilepsy in Infancy (SMEI); Dravet syndrome; SEVERE MYOCLONIC EPILEPSY OF INFANCY. Identifiers: Orphanet 33069, MedGen C0751122, MONDO:0100135, OMIM 607208.
Generalized epilepsy with febrile seizures plus, type 2 (GEFSP2). Also called: GEFS+, TYPE 2. Identifiers: Orphanet 36387, MedGen C1858673, MONDO:0011461, OMIM 604403.
Migraine, familial hemiplegic, 3. Identifiers: Orphanet 569, MedGen C1864987, MONDO:0012320, OMIM 609634.

Allele frequency attached by ClinVar (database versions not stated): gnomAD exomes 0.00001 and 0.00003; gnomAD 0.00003; TOPMed 0.00003; ESP Exome Variant Server 0.00008.
gnomAD v4.1: 50 of 1,613,488 alleles (0.0031%); highest among the groups gnomAD compares: Non-Finnish European, 0.0042%; no homozygotes.

Submissions (5):

Labcorp Genetics (formerly Invitae), Labcorp
Classification: Likely benign for Early-infantile DEE. Last evaluated: 2024-11-21. Review status: criteria provided, single submitter. Criteria: Invitae Variant Classification Sherloc (09022015). Collection method: clinical testing. Allele origin: germline.

Blueprint Genetics
Classification: Uncertain significance. Last evaluated: 2022-10-18. Review status: criteria provided, single submitter. Criteria: ACMG Guidelines, 2015. Collection method: clinical testing. Allele origin: germline.

GeneDx
Classification: Uncertain significance. Last evaluated: 2019-09-30. Review status: criteria provided, single submitter. Criteria: GeneDx Variant Classification Process June 2021. Collection method: clinical testing. Allele origin: germline. Affected: yes.
Comment: Not observed at a significant frequency in large population cohorts (Lek et al., 2016); The majority of missense variants in this gene are considered pathogenic (Stenson et al., 2014); In silico analysis, which includes protein predictors and evolutionary conservation, supports a deleterious effect; Has not been previously published as pathogenic or benign to our knowledge; This substitution is predicted to be within the C-terminal cytoplasmic domain.

Fulgent Genetics
Classification: Uncertain significance for Generalized epilepsy with febrile seizures plus, type 2; Severe myoclonic epilepsy in infancy; Migraine, familial hemiplegic, 3. Last evaluated: 2018-10-31. Review status: criteria provided, single submitter. Criteria: ACMG Guidelines, 2015. Collection method: clinical testing. Allele origin: unknown.

Eurofins Ntd Llc (ga)
Classification: Uncertain significance. Last evaluated: 2016-12-07. Review status: criteria provided, single submitter. Criteria: EGL Classification Definitions 2015. Collection method: clinical testing. Allele origin: germline. Observed: 2 variant alleles, 2 heterozygotes.